The following is an entry in ClinVar:

ClinVar aggregate classification (germline): Likely benign (1 of 4 stars; one submission).

Conditions:
NRP1-related disorder. Also called: NRP1-related condition.

gnomAD v4.1: 13 of 1,613,814 alleles (0.00081%); highest among the groups gnomAD compares: African/African-American, 0.015%; no homozygotes.

Submission:

PreventionGenetics, part of Exact Sciences
Classification: Likely benign for NRP1-related condition. Last evaluated: 2025-07-23. Review status: criteria provided, single submitter. Criteria: ACMG Guidelines, 2015. Collection method: clinical testing. Allele origin: germline.
Comment: This variant is classified as likely benign based on ACMG/AMP sequence variant interpretation guidelines (Richards et al. 2015 PMID: 25741868, with internal and published modifications).

NM_003873.7(NRP1):c.609G>A (p.Gly203=)

Gene: NRP1 (neuropilin 1; minus strand). Cytogenetic location: 10p11.22.
Variant type: single nucleotide variant.
Coding change: c.609G>A on transcript NM_003873.7 (MANE Select); coding-DNA position 609, G replaced by A.
Protein change: p.Gly203=; no amino-acid change (glycine 203 retained).
Molecular consequence: synonymous variant. On other transcripts: non-coding transcript variant (1).
Genome position (GRCh38, 1-based): chr10:33,263,695, C>T on the plus strand (G>A on the coding strand, the complement: NRP1 is on the minus strand). VCF-style: chr10-33263695-C-T. GRCh37 (hg19) VCF-style: chr10-33552623-C-T.
Other names: c.609G>A, p.Gly203= (NM_001024628.3, NM_001024629.3, NM_001244972.2 and 2 more transcripts).
Identifiers: ClinVar variation 4977423 (VCV004977423.1).